The following is an entry in ClinVar:

GRCh38/hg38 16q23.1-24.3(chr16:76035231-90338345)x3

Genes: CBFA2T3 (CBFA2/RUNX1 partner transcriptional co-repressor 3; minus strand), CDH13 (cadherin 13; plus strand), CDH13-AS1 (CDH13 antisense RNA 1; minus strand), CDH13-AS2 (CDH13 antisense RNA 2; minus strand), CDH15 (cadherin 15; plus strand) and 794 more. Cytogenetic location: 16q23.1-24.3.
Variant type: copy number gain.
Change: copy number 3 (three copies instead of two) of chr16:76,035,231-90,338,345 (14.30 Mb, GRCh38 coordinates, 1-based), cytogenetic band 16q23.1-24.3.
Identifiers: ClinVar variation 4890957 (VCV004890957.1).

ClinVar aggregate classification (germline): Pathogenic (1 of 4 stars; one submission).

Submission:

Clinical Genomics Laboratory, Laboratory for Precision Diagnostics, University of Washington
Classification: Pathogenic. Last evaluated: 2023-10-30. Review status: criteria provided, single submitter. Criteria: ACMG/ClinGen CNV Guidelines, 2019. Collection method: clinical testing. Allele origin: unknown. Affected: yes. Observed: 1 variant allele.
Comment: This terminal duplication is approximately 14.3 Mb in size and contains at least 105 protein-coding genes. People with a terminal duplication of 16q typically also have a terminal deletion elsewhere in the genome, which makes it difficult to clarify the developmental issues due only to a duplication. PMID: 1820771 described three people with 16q duplications; patient 2 had a duplication with a similar breakpoint as seen here and low-set ears, choroidal coloboma, congenital heart defect, and joint contractures.

Literature cited by the submitters: PubMed 1820771.